The following is an entry in ClinVar:

NM_182641.4(BPTF):c.3238G>A (p.Glu1080Lys)

Gene: BPTF (bromodomain PHD finger transcription factor; plus strand). Cytogenetic location: 17q24.2.
Variant type: single nucleotide variant.
Coding change: c.3238G>A on transcript NM_182641.4 (MANE Select); coding-DNA position 3238, G replaced by A.
Protein change: p.Glu1080Lys; replaces glutamic acid 1080 with lysine.
Molecular consequence: missense variant.
Genome position (GRCh38, 1-based): chr17:67,911,122, G>A. VCF-style: chr17-67911122-G-A. GRCh37 (hg19) VCF-style: chr17-65907238-G-A.
Other names: c.3616G>A, p.Glu1206Lys (NM_004459.7); short protein forms E1080K, E1206K.
Identifiers: ClinVar variation 2196493 (VCV002196493.4), dbSNP rs753831908, ClinGen allele CA8725606.

ClinVar aggregate classification (germline): Uncertain significance (1 of 4 stars; one submission).

Allele frequency attached by ClinVar (database versions not stated): gnomAD 0.00001; gnomAD exomes 0.00001; ExAC 0.00002; TOPMed 0.00002.
gnomAD v4.1: 12 of 1,613,808 alleles (0.00074%); highest among the groups gnomAD compares: Admixed American, 0.01%; no homozygotes.

Submission:

Labcorp Genetics (formerly Invitae), Labcorp
Classification: Uncertain significance. Last evaluated: 2022-08-17. Review status: criteria provided, single submitter. Criteria: Invitae Variant Classification Sherloc (09022015). Collection method: clinical testing. Allele origin: germline.
Comment: In summary, the available evidence is currently insufficient to determine the role of this variant in disease. Therefore, it has been classified as a Variant of Uncertain Significance. Algorithms developed to predict the effect of missense changes on protein structure and function are either unavailable or do not agree on the potential impact of this missense change (SIFT: "Tolerated"; PolyPhen-2: "Probably Damaging"; Align-GVGD: "Class C0"). This variant has not been reported in the literature in individuals affected with BPTF-related conditions. This variant is present in population databases (rs753831908, gnomAD 0.01%). This sequence change replaces glutamic acid, which is acidic and polar, with lysine, which is basic and polar, at codon 1206 of the BPTF protein (p.Glu1206Lys).